The following is an entry in ClinVar:

ClinVar aggregate classification (germline): Uncertain significance. Review status: criteria provided, multiple submitters, no conflicts (2 of 4 stars). 3 submissions from 3 submitters: Uncertain significance (3). Last evaluated 2025-07-08.

Conditions:
PRPH2-related disorder. Also called: PRPH2-related disorders; PRPH2-related condition. Identifiers: MedGen CN239395.

Allele frequency attached by ClinVar (database versions not stated): gnomAD exomes below 0.00001 and 0.00001; ExAC 0.00001; gnomAD 0.00001.
gnomAD v4.1: 3 of 1,611,956 alleles (0.00019%); highest among the groups gnomAD compares: African/African-American, 0.004%; no homozygotes.

Submissions (3):

Labcorp Genetics (formerly Invitae), Labcorp
Classification: Uncertain significance for PRPH2-related disorder. Last evaluated: 2025-07-08. Review status: criteria provided, single submitter. Criteria: Invitae Variant Classification Sherloc (09022015). Collection method: clinical testing. Allele origin: germline.
Comment: This sequence change replaces glutamine, which is neutral and polar, with proline, which is neutral and non-polar, at codon 304 of the PRPH2 protein (p.Gln304Pro). This variant is present in population databases (rs750796514, gnomAD 0.01%). This variant has not been reported in the literature in individuals affected with PRPH2-related conditions. ClinVar contains an entry for this variant (Variation ID: 1027278). Invitae Evidence Modeling of protein sequence and biophysical properties (such as structural, functional, and spatial information, amino acid conservation, physicochemical variation, residue mobility, and thermodynamic stability) has been performed for this missense variant. However, the output from this modeling did not meet the statistical confidence thresholds required to predict the impact of this variant on PRPH2 protein function. In summary, the available evidence is currently insufficient to determine the role of this variant in disease. Therefore, it has been classified as a Variant of Uncertain Significance.

PreventionGenetics, part of Exact Sciences
Classification: Uncertain significance for PRPH2-related condition. Last evaluated: 2024-12-13. Review status: criteria provided, single submitter. Criteria: ACMG Guidelines, 2015. Collection method: clinical testing. Allele origin: germline.
Comment: The PRPH2 c.911A>C variant is predicted to result in the amino acid substitution p.Gln304Pro. To our knowledge, this variant has not been reported in the literature. This variant is reported in 0.012% of alleles in individuals of African descent in gnomAD. At this time, the clinical significance of this variant is uncertain due to the absence of conclusive functional and genetic evidence.

GeneDx
Classification: Uncertain significance. Last evaluated: 2023-06-26. Review status: criteria provided, single submitter. Criteria: GeneDx Variant Classification Process June 2021. Collection method: clinical testing. Allele origin: germline. Affected: yes.
Comment: In silico analysis supports that this missense variant does not alter protein structure/function; Has not been previously published as pathogenic or benign to our knowledge

NM_000322.5(PRPH2):c.911A>C (p.Gln304Pro)

Gene: PRPH2 (peripherin 2; minus strand). Cytogenetic location: 6p21.1.
Variant type: single nucleotide variant.
Coding change: c.911A>C on transcript NM_000322.5 (MANE Select); coding-DNA position 911, A replaced by C.
Protein change: p.Gln304Pro; replaces glutamine 304 with proline.
Molecular consequence: missense variant.
Genome position (GRCh38, 1-based): chr6:42,698,425, T>G on the plus strand (A>C on the coding strand, the complement: PRPH2 is on the minus strand). VCF-style: chr6-42698425-T-G. GRCh37 (hg19) VCF-style: chr6-42666163-T-G.
Other names: c.911A>C (NM_000322.4); short protein forms Q304P.
Identifiers: ClinVar variation 1027278 (VCV001027278.10), dbSNP rs750796514, ClinGen allele CA3808486.